The following is an entry in ClinVar:

ClinVar aggregate classification (germline): Likely benign. Review status: criteria provided, multiple submitters, no conflicts (2 of 4 stars). 2 submissions from 2 submitters: Likely benign (2). Last evaluated 2025-05-31.

Conditions:
PRPF8-related disorder. Also called: PRPF8-related condition.

gnomAD v4.1: 12 of 1,611,802 alleles (0.00074%); highest among the groups gnomAD compares: African/African-American, 0.0053%; no homozygotes.

Submissions (2):

PreventionGenetics, part of Exact Sciences
Classification: Likely benign for PRPF8-related condition. Last evaluated: 2025-05-31. Review status: criteria provided, single submitter. Criteria: ACMG Guidelines, 2015. Collection method: clinical testing. Allele origin: germline.
Comment: This variant is classified as likely benign based on ACMG/AMP sequence variant interpretation guidelines (Richards et al. 2015 PMID: 25741868, with internal and published modifications).

Labcorp Genetics (formerly Invitae), Labcorp
Classification: Likely benign. Last evaluated: 2025-01-13. Review status: criteria provided, single submitter. Criteria: Invitae Variant Classification Sherloc (09022015). Collection method: clinical testing. Allele origin: germline.

NM_006445.4(PRPF8):c.3300-9C>G

Gene: PRPF8 (pre-mRNA processing factor 8; minus strand). Cytogenetic location: 17p13.3.
Variant type: single nucleotide variant.
Coding change: c.3300-9C>G on transcript NM_006445.4 (MANE Select); 9 bases into the intron before coding-DNA position 3300, C replaced by G.
Molecular consequence: intron variant.
Genome position (GRCh38, 1-based): chr17:1,673,901, G>C on the plus strand (C>G on the coding strand, the complement: PRPF8 is on the minus strand). VCF-style: chr17-1673901-G-C. GRCh37 (hg19) VCF-style: chr17-1577195-G-C.
Other names: c.3300-9C>G (NM_006445.3).
Identifiers: ClinVar variation 3672115 (VCV003672115.3).
Genomic context (GRCh38, chr17:1,673,901, plus strand): 5'-GTGCTCTGTCAGGTAACGTTGAATCAGGTCCCGAGCCTCATCTGCTGTGAACCTACACCA[G>C]ACCAGGTACACTGCTGAGGCCCCAGTACACTGAGATTTGGGACACCCACAAGTCCTCCAG-3'